The following is an entry in ClinVar:

NM_001830.4(CLCN4):c.957_958del (p.Phe319fs)

Gene: CLCN4 (chloride voltage-gated channel 4; plus strand). Cytogenetic location: Xp22.2.
Variant type: Deletion.
Coding change: c.957_958del on transcript NM_001830.4 (MANE Select); coding-DNA positions 957 to 958, 2 bases deleted (TT; older notation c.957_958delTT).
Protein change: p.Phe319fs; shifts the reading frame from phenylalanine 319.
Molecular consequence: frameshift variant.
Genome position (GRCh38, 1-based): chrX:10,208,158-10,208,159, TT deleted; deleting any 2 consecutive bases within chrX:10,208,156-10,208,159 gives the same sequence; the c. name uses the placement nearest the transcript's 3' end. VCF-style (leftmost placement, unchanged base first): chrX-10208155-CTT-C. GRCh37 (hg19) VCF-style: chrX-10176195-CTT-C.
Other names: c.675_676del, p.Phe225fs (NM_001256944.2); short protein forms F225fs, F319fs.
Identifiers: ClinVar variation 4730557 (VCV004730557.1).

ClinVar aggregate classification (germline): Pathogenic (1 of 4 stars; one submission).

Submission:

Labcorp Genetics (formerly Invitae), Labcorp
Classification: Pathogenic. Last evaluated: 2025-11-09. Review status: criteria provided, single submitter. Criteria: Invitae Variant Classification Sherloc (09022015). Collection method: clinical testing. Allele origin: germline.
Comment: This sequence change creates a premature translational stop signal (p.Phe319Leufs*12) in the CLCN4 gene. It is expected to result in an absent or disrupted protein product. Loss-of-function variants in CLCN4 are known to be pathogenic (PMID: 27550844). This variant is not present in population databases (gnomAD no frequency). This variant has not been reported in the literature in individuals affected with CLCN4-related conditions. For these reasons, this variant has been classified as Pathogenic.

Literature cited by the submitters: PubMed 27550844.